The following is an entry in ClinVar:

NM_032608.7(MYO18B):c.309C>G (p.Asp103Glu)

Gene: MYO18B (myosin XVIIIB; plus strand). Cytogenetic location: 22q12.1.
Variant type: single nucleotide variant.
Coding change: c.309C>G on transcript NM_032608.7 (MANE Select); coding-DNA position 309, C replaced by G.
Protein change: p.Asp103Glu; replaces aspartic acid 103 with glutamic acid.
Molecular consequence: missense variant.
Genome position (GRCh38, 1-based): chr22:25,768,225, C>G. VCF-style: chr22-25768225-C-G. GRCh37 (hg19) VCF-style: chr22-26164192-C-G.
Other names: c.309C>G, p.Asp103Glu (NM_001318245.2); short protein forms D103E.
Identifiers: ClinVar variation 770474 (VCV000770474.34), dbSNP rs150178966, ClinGen allele CA10159549.

ClinVar aggregate classification (germline): Likely benign. Review status: criteria provided, multiple submitters, no conflicts (2 of 4 stars). 3 submissions from 3 submitters: Likely benign (2). 1 of the submissions does not count toward it. Last evaluated 2026-01-26.

Conditions:
MYO18B-related disorder. Also called: MYO18B-related condition.

Allele frequency attached by ClinVar (database versions not stated): ESP Exome Variant Server 0.00212; gnomAD 0.00246 and 0.00252; 1000 Genomes Project 30x 0.00265; TOPMed 0.00270; 1000 Genomes Project 0.00280; gnomAD exomes 0.00034 and 0.00080; ExAC 0.00089.
gnomAD v4.1: 898 of 1,614,012 alleles (0.056%); highest among the groups gnomAD compares: African/African-American, 0.8%; 7 homozygotes.

Submissions (3):

Labcorp Genetics (formerly Invitae), Labcorp
Classification: Likely benign. Last evaluated: 2026-01-26. Review status: criteria provided, single submitter. Criteria: Invitae Variant Classification Sherloc (09022015). Collection method: clinical testing. Allele origin: germline.

CeGaT Center for Human Genetics Tuebingen
Classification: Likely benign. Last evaluated: 2025-11-01. Review status: criteria provided, single submitter. Criteria: CeGaT Center For Human Genetics Tuebingen Variant Classification Criteria Version 2. Collection method: clinical testing. Allele origin: germline. Affected: yes. Observed: 3 variant alleles.
Comment: MYO18B: BP4

PreventionGenetics, part of Exact Sciences
Classification: Likely benign for MYO18B-related condition. Last evaluated: 2019-07-01. Review status: no assertion criteria provided. Collection method: clinical testing. Allele origin: germline. Not counted in ClinVar's aggregate classification.
Comment: This variant is classified as likely benign based on ACMG/AMP sequence variant interpretation guidelines (Richards et al. 2015 PMID: 25741868, with internal and published modifications).